The following is an entry in ClinVar:

ClinVar aggregate classification (germline): Uncertain significance (1 of 4 stars; one submission).

Submission:

Labcorp Genetics (formerly Invitae), Labcorp
Classification: Uncertain significance. Last evaluated: 2025-11-11. Review status: criteria provided, single submitter. Criteria: Invitae Variant Classification Sherloc (09022015). Collection method: clinical testing. Allele origin: germline.
Comment: This sequence change replaces methionine, which is neutral and non-polar, with lysine, which is basic and polar, at codon 1350 of the NAV3 protein (p.Met1350Lys). This variant is not present in population databases (gnomAD no frequency). This variant has not been reported in the literature in individuals affected with NAV3-related conditions. ClinVar contains an entry for this variant (Variation ID: 3691620). An algorithm developed to predict the effect of missense changes on protein structure and function (PolyPhen-2) suggests that this variant is likely to be tolerated. In summary, the available evidence is currently insufficient to determine the role of this variant in disease. Therefore, it has been classified as a Variant of Uncertain Significance.

NM_001024383.2(NAV3):c.4049T>A (p.Met1350Lys)

Gene: NAV3 (neuron navigator 3; plus strand). Cytogenetic location: 12q21.2.
Variant type: single nucleotide variant.
Coding change: c.4049T>A on transcript NM_001024383.2 (MANE Select); coding-DNA position 4049, T replaced by A.
Protein change: p.Met1350Lys; replaces methionine 1350 with lysine.
Molecular consequence: missense variant.
Genome position (GRCh38, 1-based): chr12:78,122,239, T>A. VCF-style: chr12-78122239-T-A. GRCh37 (hg19) VCF-style: chr12-78516019-T-A.
Other names: c.4049T>A, p.Met1350Lys (NM_014903.6); short protein forms M1350K.
Identifiers: ClinVar variation 3691620 (VCV003691620.2).
Genomic context (GRCh38, chr12:78,122,239, plus strand): 5'-CCTCCAGCCCAGCATCGGTTCACTCTTTCACATCAGGTGGTCTCGTGTGGGCTGCCAATA[T>A]GAGCAGTTCCTCTGCAGGCAGCAAGGATACTCCGAGCTACCAGTCCATGACTAGCCTCCA-3'
Protein context (NP_001019554.1, residues 1340-1360): TSGGLVWAAN[Met1350Lys]SSSSAGSKDT